The following is an entry in ClinVar:

ClinVar aggregate classification (germline): Uncertain significance (1 of 4 stars; one submission).

Allele frequency attached by ClinVar (database versions not stated): gnomAD exomes 0.00001; TOPMed below 0.00001.
gnomAD v4.1: 2 of 1,613,676 alleles (0.00012%); highest among the groups gnomAD compares: Admixed American, 0.0033%; no homozygotes.

Submission:

Labcorp Genetics (formerly Invitae), Labcorp
Classification: Uncertain significance. Last evaluated: 2020-03-11. Review status: criteria provided, single submitter. Criteria: Invitae Variant Classification Sherloc (09022015). Collection method: clinical testing. Allele origin: germline.
Comment: In summary, the available evidence is currently insufficient to determine the role of this variant in disease. Therefore, it has been classified as a Variant of Uncertain Significance. Algorithms developed to predict the effect of missense changes on protein structure and function (SIFT, PolyPhen-2, Align-GVGD) all suggest that this variant is likely to be disruptive, but these predictions have not been confirmed by published functional studies and their clinical significance is uncertain. This variant has not been reported in the literature in individuals with USH2A-related conditions. This variant is not present in population databases (ExAC no frequency). This sequence change replaces valine with isoleucine at codon 1866 of the USH2A protein (p.Val1866Ile). The valine residue is highly conserved and there is a small physicochemical difference between valine and isoleucine.

NM_206933.4(USH2A):c.5596G>A (p.Val1866Ile)

Genes: USH2A (usherin; minus strand), USH2A-AS2 (USH2A antisense RNA 2; plus strand). Cytogenetic location: 1q41.
Variant type: single nucleotide variant.
Coding change: c.5596G>A on transcript NM_206933.4 (MANE Select); coding-DNA position 5596, G replaced by A.
Protein change: p.Val1866Ile; replaces valine 1866 with isoleucine.
Molecular consequence: missense variant.
Genome position (GRCh38, 1-based): chr1:216,073,277, C>T on the plus strand (G>A on the coding strand, the complement: USH2A is on the minus strand). VCF-style: chr1-216073277-C-T. GRCh37 (hg19) VCF-style: chr1-216246619-C-T.
Other names: short protein forms V1866I.
Identifiers: ClinVar variation 1019165 (VCV001019165.6), dbSNP rs1481712505, ClinGen allele CA344854947.
Genomic context (GRCh38, chr1:216,073,277, plus strand): 5'-CTCTGACAGCACCGCTGGACACAGATGCCAAGTTAACGACAGCACCCCGTGTAAATTTAA[C>T]ATCCTTCATGCAACCACCGAAACCTAGCAAATAGTAAGGGATTAGTATCGCATAAAGGGC-3'
Protein context (NP_996816.3, residues 1856-1876): EQGFGGCMKD[Val1866Ile]KFTRGAVVNL